The following is an entry in ClinVar:

ClinVar aggregate classification (germline): Benign. Review status: criteria provided, multiple submitters, no conflicts (2 of 4 stars). 4 submissions from 4 submitters: Benign (4). Last evaluated 2025-10-02.

Conditions:
Atypical hemolytic-uremic syndrome. Identifiers: Orphanet 2134, MedGen C2931788, MONDO:0016244.

Allele frequency attached by ClinVar (database versions not stated): gnomAD exomes 0.78753 and 0.79835; ESP Exome Variant Server 0.78906; gnomAD 0.79277 and 0.79606; TOPMed 0.79430; ExAC 0.80053; 1000 Genomes Project 30x 0.83167; 1000 Genomes Project 0.83307.
gnomAD v4.1: 1,238,488 of 1,569,160 alleles (79%); highest among the groups gnomAD compares: East Asian, 100%; 491,030 homozygotes.

Submissions (4):

Genomenon, Inc
Classification: Benign for Atypical hemolytic-uremic syndrome. Last evaluated: 2025-10-02. Review status: criteria provided, single submitter. Criteria: Genomenon Sequence Variant Interpretation Standards. Collection method: curation. Allele origin: germline. Affected: no.
Comment: CD46 c.946+23G>T is an intronic variant in intron 8. This variant has been reported in the published literature (PMID:21706448;29567368;21840606). This variant is present at high allele frequency in population databases. In conclusion, we classify CD46 c.946+23G>T as a benign variant.

GeneDx
Classification: Benign. Last evaluated: 2018-11-10. Review status: criteria provided, single submitter. Criteria: GeneDx Variant Classification Process June 2021. Collection method: clinical testing. Allele origin: germline. Affected: yes.
Comment: This variant is associated with the following publications: (PMID: 28289848)

Mayo Clinic Laboratories, Mayo Clinic
Classification: Benign. Last evaluated: 2018-04-16. Review status: criteria provided, single submitter. Criteria: ACMG Guidelines, 2015. Collection method: clinical testing. Allele origin: germline. Observed: 1,107 variant alleles.

Breakthrough Genomics
Classification: Benign. Review status: criteria provided, single submitter. Criteria: ACMG Guidelines, 2015. Collection method: not provided. Allele origin: germline. Inheritance: Autosomal recessive inheritance. Affected: yes.

Literature cited by the submitters: PubMed 21706448 (cited by Genomenon, Inc); PubMed 29567368 (cited by Genomenon, Inc); PubMed 21840606 (cited by Genomenon, Inc).

NM_172351.3(CD46):c.901+23G>T

Gene: CD46 (CD46 molecule; plus strand). Cytogenetic location: 1q32.2.
Variant type: single nucleotide variant.
Coding change: c.901+23G>T on transcript NM_172351.3 (MANE Select); 23 bases into the intron after coding-DNA position 901, G replaced by T.
Molecular consequence: intron variant.
Genome position (GRCh38, 1-based): chr1:207,767,846, G>T. VCF-style: chr1-207767846-G-T. GRCh37 (hg19) VCF-style: chr1-207941191-G-T.
Other names: c.946+23G>T (NM_002389.4, NM_172359.3); c.901+23G>T (NM_153826.4, NM_172358.3, NM_172355.3 and 1 more transcripts); c.856+651G>T (NM_172352.3, NM_172353.3, NM_172350.3 and 2 more transcripts).
Identifiers: ClinVar variation 1277332 (VCV001277332.4), dbSNP rs2724374, ClinGen allele CA1371809.